The following is an entry in ClinVar:

NM_001375808.2(LPIN2):c.1082C>T (p.Ala361Val)

Gene: LPIN2 (lipin 2; minus strand). Cytogenetic location: 18p11.31.
Variant type: single nucleotide variant.
Coding change: c.1082C>T on transcript NM_001375808.2 (MANE Select); coding-DNA position 1082, C replaced by T.
Protein change: p.Ala361Val; replaces alanine 361 with valine.
Molecular consequence: missense variant.
Genome position (GRCh38, 1-based): chr18:2,937,778, G>A on the plus strand (C>T on the coding strand, the complement: LPIN2 is on the minus strand). VCF-style: chr18-2937778-G-A. GRCh37 (hg19) VCF-style: chr18-2937776-G-A.
Other names: c.1082C>T, p.Ala361Val (NM_001375809.1, NM_014646.2); short protein forms A361V.
Identifiers: ClinVar variation 647796 (VCV000647796.6), dbSNP rs767142433, ClinGen allele CA8873220.

ClinVar aggregate classification (germline): Uncertain significance (1 of 4 stars; one submission).

Conditions:
Majeed syndrome (MJDS). Also called: LPIN2-Related Majeed Syndrome; CHRONIC RECURRENT MULTIFOCAL OSTEOMYELITIS 1, WITH CONGENITAL DYSERYTHROPOIETIC ANEMIA, WITH OR WITHOUT NEUTROPHILIC DERMATOSIS. Identifiers: Orphanet 77297, MedGen C1864997, MONDO:0012316, OMIM 609628.

Allele frequency attached by ClinVar (database versions not stated): ExAC 0.00001; gnomAD exomes 0.00001.
gnomAD v4.1: 4 of 1,614,098 alleles (0.00025%); highest among the groups gnomAD compares: South Asian, 0.0033%; no homozygotes.

Submission:

Labcorp Genetics (formerly Invitae), Labcorp
Classification: Uncertain significance for Majeed syndrome. Last evaluated: 2021-09-08. Review status: criteria provided, single submitter. Criteria: Invitae Variant Classification Sherloc (09022015). Collection method: clinical testing. Allele origin: germline.
Comment: This sequence change replaces alanine with valine at codon 361 of the LPIN2 protein (p.Ala361Val). The alanine residue is weakly conserved and there is a small physicochemical difference between alanine and valine. This variant is present in population databases (rs767142433, ExAC 0.006%). This variant has not been reported in the literature in individuals affected with LPIN2-related conditions. Algorithms developed to predict the effect of missense changes on protein structure and function output the following: SIFT: "Tolerated"; PolyPhen-2: "Benign"; Align-GVGD: "Class C0". The valine amino acid residue is found in multiple mammalian species, which suggests that this missense change does not adversely affect protein function. In summary, the available evidence is currently insufficient to determine the role of this variant in disease. Therefore, it has been classified as a Variant of Uncertain Significance.